The following is an entry in ClinVar:

NM_002693.3(POLG):c.1603G>A (p.Glu535Lys)

Gene: POLG (DNA polymerase gamma, catalytic subunit; minus strand). Cytogenetic location: 15q26.1.
Variant type: single nucleotide variant.
Coding change: c.1603G>A on transcript NM_002693.3 (MANE Select); coding-DNA position 1603, G replaced by A.
Protein change: p.Glu535Lys; replaces glutamic acid 535 with lysine.
Molecular consequence: missense variant.
Genome position (GRCh38, 1-based): chr15:89,326,721, C>T on the plus strand (G>A on the coding strand, the complement: POLG is on the minus strand). VCF-style: chr15-89326721-C-T. GRCh37 (hg19) VCF-style: chr15-89869952-C-T.
Other names: c.1603G>A, p.Glu535Lys (NM_001126131.2); short protein forms E535K.
Identifiers: ClinVar variation 852543 (VCV000852543.8), dbSNP rs2055524067, ClinGen allele CA393760651.
Genomic context (GRCh38, chr15:89,326,721, plus strand): 5'-TCCCCTTCAGCTTCTGCAAGCAGGCGCGGGCCATGACATCTTGTTGAAACTCCTCCTCCT[C>T]ACTGCAGGGGCCGAGGTCTGTGAGGGTGGGGGAAGACAATCAGGAGCAGGAGAAGGAACT-3'
Protein context (NP_002684.1, residues 525-545): MDQEDLGPCS[Glu535Lys]EEEFQQDVMA

ClinVar aggregate classification (germline): Uncertain significance (1 of 4 stars; one submission).

Conditions:
Progressive sclerosing poliodystrophy (MTDPS4A). Also called: Mitochondrial DNA depletion syndrome 4A (Alpers type); ALPERS PROGRESSIVE INFANTILE POLIODYSTROPHY; NEURONAL DEGENERATION OF CHILDHOOD WITH LIVER DISEASE, PROGRESSIVE; Alpers Syndrome; Mitochondrial DNA Depletion Syndrome 4A; Alpers-Huttenlocher Syndrome (AHS). Identifiers: Orphanet 726, MedGen C0205710, MONDO:0008758, OMIM 203700.

Submission:

Labcorp Genetics (formerly Invitae), Labcorp
Classification: Uncertain significance for Progressive sclerosing poliodystrophy. Last evaluated: 2025-12-18. Review status: criteria provided, single submitter. Criteria: Invitae Variant Classification Sherloc (09022015). Collection method: clinical testing. Allele origin: germline.
Comment: This sequence change replaces glutamic acid, which is acidic and polar, with lysine, which is basic and polar, at codon 535 of the POLG protein (p.Glu535Lys). This variant is not present in population databases (gnomAD no frequency). This variant has not been reported in the literature in individuals affected with POLG-related conditions. ClinVar contains an entry for this variant (Variation ID: 852543). Invitae Evidence Modeling of protein sequence and biophysical properties (such as structural, functional, and spatial information, amino acid conservation, physicochemical variation, residue mobility, and thermodynamic stability) indicates that this missense variant is expected to disrupt POLG protein function with a positive predictive value of 95%. In summary, the available evidence is currently insufficient to determine the role of this variant in disease. Therefore, it has been classified as a Variant of Uncertain Significance.